The following is an entry in ClinVar:

ClinVar aggregate classification (germline): Uncertain significance (1 of 4 stars; one submission).

Submission:

Labcorp Genetics (formerly Invitae), Labcorp
Classification: Uncertain significance. Last evaluated: 2022-10-17. Review status: criteria provided, single submitter. Criteria: Invitae Variant Classification Sherloc (09022015). Collection method: clinical testing. Allele origin: germline.
Comment: In summary, the available evidence is currently insufficient to determine the role of this variant in disease. Therefore, it has been classified as a Variant of Uncertain Significance. Algorithms developed to predict the effect of sequence changes on RNA splicing suggest that this variant may create or strengthen a splice site. Advanced modeling of protein sequence and biophysical properties (such as structural, functional, and spatial information, amino acid conservation, physicochemical variation, residue mobility, and thermodynamic stability) performed at Invitae indicates that this missense variant is not expected to disrupt ZNF335 protein function. This variant has not been reported in the literature in individuals affected with ZNF335-related conditions. This variant is not present in population databases (gnomAD no frequency). This sequence change replaces lysine, which is basic and polar, with arginine, which is basic and polar, at codon 456 of the ZNF335 protein (p.Lys456Arg).

NM_022095.4(ZNF335):c.1367A>G (p.Lys456Arg)

Gene: ZNF335 (zinc finger protein 335; minus strand). Cytogenetic location: 20q13.12.
Variant type: single nucleotide variant.
Coding change: c.1367A>G on transcript NM_022095.4 (MANE Select); coding-DNA position 1367, A replaced by G.
Protein change: p.Lys456Arg; replaces lysine 456 with arginine.
Molecular consequence: missense variant.
Genome position (GRCh38, 1-based): chr20:45,963,639, T>C on the plus strand (A>G on the coding strand, the complement: ZNF335 is on the minus strand). VCF-style: chr20-45963639-T-C. GRCh37 (hg19) VCF-style: chr20-44592278-T-C.
Other names: short protein forms K456R.
Identifiers: ClinVar variation 2130594 (VCV002130594.4), dbSNP rs2515566881, ClinGen allele CA409250041.
Genomic context (GRCh38, chr20:45,963,639, plus strand): 5'-GACAGAAAGCGAGAACCACAGATGCGGCACAGGAAGGGCCTCAAAAGTGGTTTGGGCGAC[T>C]TGTAATAGTACCTGCAGGATGAGAGTGTGGCGGAAAGGTCTGGTGGGGTTGGTGGCTTAA-3'
Protein context (NP_071378.1, residues 446-466): LGKKYRKYYY[Lys456Arg]SPKPLLRPFL